The following is an entry in ClinVar:

NM_006087.4(TUBB4A):c.114G>A (p.Gly38=)

Gene: TUBB4A (tubulin beta 4A class IVa; minus strand). Cytogenetic location: 19p13.3.
Variant type: single nucleotide variant.
Coding change: c.114G>A on transcript NM_006087.4 (MANE Select); coding-DNA position 114, G replaced by A.
Protein change: p.Gly38=; no amino-acid change (glycine 38 retained).
Molecular consequence: synonymous variant. On other transcripts: 5 prime UTR variant (2).
Genome position (GRCh38, 1-based): chr19:6,501,567, C>T on the plus strand (G>A on the coding strand, the complement: TUBB4A is on the minus strand). VCF-style: chr19-6501567-C-T. GRCh37 (hg19) VCF-style: chr19-6501578-C-T.
Other names: c.267G>A, p.Gly89= (NM_001289123.2); c.249G>A, p.Gly83= (NM_001289127.2); c.114G>A, p.Gly38= (NM_001289129.2); c.-103G>A (NM_001289130.2, NM_001289131.2).
Identifiers: ClinVar variation 507125 (VCV000507125.8), dbSNP rs368132425, ClinGen allele CA9127462.

ClinVar aggregate classification (germline): Likely benign. Review status: criteria provided, multiple submitters, no conflicts (2 of 4 stars). 2 submissions from 2 submitters: Likely benign (2). Last evaluated 2025-08-08.

Conditions:
Leukodystrophy, hypomyelinating, 6. Also called: TUBB4A-Associated Leukodystrophy; Hypomyelination with Atrophy of Basal Ganglia and Cerebellum (H-ABC); LEUKODYSTROPHY, HYPOMYELINATING, WITH ATROPHY OF THE BASAL GANGLIA AND CEREBELLUM. Identifiers: Orphanet 139441, MedGen C2676244, MONDO:0012905, OMIM 612438.

Allele frequency attached by ClinVar (database versions not stated): gnomAD exomes below 0.00001 and 0.00002; ExAC 0.00003; gnomAD 0.00007; ESP Exome Variant Server 0.00008; TOPMed 0.00010.
gnomAD v4.1: 16 of 1,614,166 alleles (0.00099%); highest among the groups gnomAD compares: African/African-American, 0.021%; no homozygotes.

Submissions (2):

Labcorp Genetics (formerly Invitae), Labcorp
Classification: Likely benign for Leukodystrophy, hypomyelinating, 6. Last evaluated: 2025-08-08. Review status: criteria provided, single submitter. Criteria: Invitae Variant Classification Sherloc (09022015). Collection method: clinical testing. Allele origin: germline.

GeneDx
Classification: Likely benign. Last evaluated: 2017-02-02. Review status: criteria provided, single submitter. Criteria: GeneDx Variant Classification (06012015). Collection method: clinical testing. Allele origin: germline. Affected: yes.
Comment: This variant is considered likely benign or benign based on one or more of the following criteria: it is a conservative change, it occurs at a poorly conserved position in the protein, it is predicted to be benign by multiple in silico algorithms, and/or has population frequency not consistent with disease.